The following is an entry in ClinVar:

ClinVar aggregate classification (germline): Uncertain significance. Review status: criteria provided, multiple submitters, no conflicts (2 of 4 stars). 6 submissions from 6 submitters: Uncertain significance (3). 3 of the submissions do not count toward it. Last evaluated 2026-04-06.

Conditions:
PCNT-related disorder. Also called: PCNT-related condition.
Microcephalic osteodysplastic primordial dwarfism type II (MOPD2). Also called: Microcephalic osteodysplastic primordial dwarfism with tooth abnormalities; MOPD II; OSTEODYSPLASTIC PRIMORDIAL DWARFISM, TYPE II. Identifiers: Orphanet 2637, MedGen C0432246, MONDO:0008872, OMIM 210720.

Allele frequency attached by ClinVar (database versions not stated): 1000 Genomes Project 30x 0.00016; 1000 Genomes Project 0.00020; ExAC 0.00020; gnomAD exomes 0.00021 and 0.00026; TOPMed 0.00058; gnomAD 0.00061 and 0.00065; ESP Exome Variant Server 0.00077.
gnomAD v4.1: 458 of 1,614,214 alleles (0.028%); highest among the groups gnomAD compares: African/African-American, 0.13%; 1 homozygote.

Submissions (6):

Women's Health and Genetics/Laboratory Corporation of America, LabCorp
Classification: Uncertain significance. Last evaluated: 2026-04-06. Review status: criteria provided, single submitter. Criteria: LabCorp Variant Classification Summary - May 2015. Collection method: clinical testing. Allele origin: germline.
Comment: Variant summary: PCNT c.623G>A (p.Arg208His) results in a non-conservative amino acid change in the encoded protein sequence. Algorithms developed to predict the effect of missense changes on protein structure and function are either unavailable or do not agree on the potential impact of this missense change. The variant allele was found at a frequency of 0.00021 in 251488 control chromosomes. This frequency is not significantly higher than estimated for disease-causing variants in PCNT, allowing no conclusion about variant significance. To our knowledge, no occurrence of c.623G>A in individuals affected with PCNT-related conditions and no experimental evidence demonstrating its impact on protein function have been reported. ClinVar contains an entry for this variant (Variation ID: 898319). Based on the evidence outlined above, the variant was classified as uncertain significance.

Labcorp Genetics (formerly Invitae), Labcorp
Classification: Uncertain significance. Last evaluated: 2022-07-05. Review status: criteria provided, single submitter. Criteria: Invitae Variant Classification Sherloc (09022015). Collection method: clinical testing. Allele origin: germline.
Comment: This sequence change replaces arginine, which is basic and polar, with histidine, which is basic and polar, at codon 208 of the PCNT protein (p.Arg208His). This variant is present in population databases (rs142318247, gnomAD 0.1%). This variant has not been reported in the literature in individuals affected with PCNT-related conditions. ClinVar contains an entry for this variant (Variation ID: 898319). Algorithms developed to predict the effect of missense changes on protein structure and function (SIFT, PolyPhen-2, Align-GVGD) all suggest that this variant is likely to be tolerated. In summary, the available evidence is currently insufficient to determine the role of this variant in disease. Therefore, it has been classified as a Variant of Uncertain Significance.

Illumina Laboratory Services, Illumina
Classification: Uncertain significance for Microcephalic osteodysplastic primordial dwarfism type II. Last evaluated: 2018-01-13. Review status: criteria provided, single submitter. Criteria: ICSL Variant Classification Criteria 13 December 2019. Collection method: clinical testing. Allele origin: germline.

PreventionGenetics, part of Exact Sciences
Classification: Likely benign for PCNT-related condition. Last evaluated: 2022-10-03. Review status: no assertion criteria provided. Collection method: clinical testing. Allele origin: germline. Not counted in ClinVar's aggregate classification.
Comment: This variant is classified as likely benign based on ACMG/AMP sequence variant interpretation guidelines (Richards et al. 2015 PMID: 25741868, with internal and published modifications).

Diagnostic Laboratory, Department of Genetics, University Medical Center Groningen
Classification: Likely benign. Review status: no assertion criteria provided. Collection method: clinical testing. Allele origin: germline. Affected: yes. Study: VKGL Data-share Consensus. Not counted in ClinVar's aggregate classification.

Laboratory of Diagnostic Genome Analysis, Leiden University Medical Center (LUMC)
Classification: Likely benign. Review status: no assertion criteria provided. Collection method: clinical testing. Allele origin: germline. Affected: yes. Study: VKGL Data-share Consensus. Not counted in ClinVar's aggregate classification.

NM_006031.6(PCNT):c.623G>A (p.Arg208His)

Gene: PCNT (pericentrin; plus strand). Cytogenetic location: 21q22.3.
Variant type: single nucleotide variant.
Coding change: c.623G>A on transcript NM_006031.6 (MANE Select); coding-DNA position 623, G replaced by A.
Protein change: p.Arg208His; replaces arginine 208 with histidine.
Molecular consequence: missense variant.
Genome position (GRCh38, 1-based): chr21:46,334,752, G>A. VCF-style: chr21-46334752-G-A. GRCh37 (hg19) VCF-style: chr21-47754666-G-A.
Other names: c.269G>A, p.Arg90His (NM_001315529.2); short protein forms R208H, R90H.
Identifiers: ClinVar variation 898319 (VCV000898319.13), dbSNP rs142318247, ClinGen allele CA10078317.